The following is an entry in ClinVar:

NM_005522.5(HOXA1):c.512T>C (p.Leu171Pro)

Gene: HOXA1 (homeobox A1; minus strand). Cytogenetic location: 7p15.2.
Variant type: single nucleotide variant.
Coding change: c.512T>C on transcript NM_005522.5 (MANE Select); coding-DNA position 512, T replaced by C.
Protein change: p.Leu171Pro; replaces leucine 171 with proline.
Molecular consequence: missense variant. On other transcripts: intron variant (1).
Genome position (GRCh38, 1-based): chr7:27,095,401, A>G on the plus strand (T>C on the coding strand, the complement: HOXA1 is on the minus strand). VCF-style: chr7-27095401-A-G. GRCh37 (hg19) VCF-style: chr7-27135020-A-G.
Other names: c.355-46T>C (NM_153620.3); short protein forms L171P.
Identifiers: ClinVar variation 1745541 (VCV001745541.2), dbSNP rs1170459850, ClinGen allele CA367068404.

ClinVar aggregate classification (germline): Uncertain significance (1 of 4 stars; one submission).

Conditions:
Inborn genetic diseases. Identifiers: MedGen C0950123, MeSH D030342.

Allele frequency attached by ClinVar (database versions not stated): gnomAD exomes below 0.00001; TOPMed 0.00001.

Submission:

Ambry Genetics
Classification: Uncertain significance for Inborn genetic diseases. Last evaluated: 2017-06-23. Review status: criteria provided, single submitter. Criteria: Ambry Variant Classification Scheme 2023. Collection method: clinical testing. Allele origin: germline.
Comment: The p.L171P variant (also known as c.512T>C), located in coding exon 1 of the HOXA1 gene, results from a T to C substitution at nucleotide position 512. The leucine at codon 171 is replaced by proline, an amino acid with similar properties. This amino acid position is well conserved in available vertebrate species; however, proline is the reference amino acid in other vertebrate species. In addition, this alteration is predicted to be tolerated by in silico analysis. Since supporting evidence is limited at this time, the clinical significance of this alteration remains unclear.